The following is an entry in ClinVar:

NM_021100.5(NFS1):c.1317C>G (p.Leu439=)

Gene: NFS1 (NFS1 cysteine desulfurase; minus strand). Cytogenetic location: 20q11.22.
Variant type: single nucleotide variant.
Coding change: c.1317C>G on transcript NM_021100.5 (MANE Select); coding-DNA position 1317, C replaced by G.
Protein change: p.Leu439=; no amino-acid change (leucine 439 retained).
Molecular consequence: synonymous variant. On other transcripts: non-coding transcript variant (1).
Genome position (GRCh38, 1-based): chr20:35,669,679, G>C on the plus strand (C>G on the coding strand, the complement: NFS1 is on the minus strand). VCF-style: chr20-35669679-G-C. GRCh37 (hg19) VCF-style: chr20-34257601-G-C.
Other names: c.1164C>G, p.Leu388= (NM_001198989.2).
Identifiers: ClinVar variation 1905732 (VCV001905732.11), dbSNP rs368099947, ClinGen allele CA9836967.

ClinVar aggregate classification (germline): Likely benign. Review status: criteria provided, multiple submitters, no conflicts (2 of 4 stars). 2 submissions from 2 submitters: Likely benign (2). Last evaluated 2025-10-01.

Allele frequency attached by ClinVar (database versions not stated): gnomAD 0.00001; ExAC 0.00002; gnomAD exomes 0.00002; TOPMed 0.00002; ESP Exome Variant Server 0.00008.
gnomAD v4.1: 37 of 1,613,940 alleles (0.0023%); highest among the groups gnomAD compares: Non-Finnish European, 0.003%; no homozygotes.

Submissions (2):

CeGaT Center for Human Genetics Tuebingen
Classification: Likely benign. Last evaluated: 2025-10-01. Review status: criteria provided, single submitter. Criteria: CeGaT Center For Human Genetics Tuebingen Variant Classification Criteria Version 2. Collection method: clinical testing. Allele origin: germline. Affected: yes. Observed: 1 variant allele.
Comment: NFS1: BP4, BP7

Labcorp Genetics (formerly Invitae), Labcorp
Classification: Likely benign. Last evaluated: 2023-12-06. Review status: criteria provided, single submitter. Criteria: Invitae Variant Classification Sherloc (09022015). Collection method: clinical testing. Allele origin: germline.